The following is an entry in ClinVar:

ClinVar aggregate classification (germline): Pathogenic/Likely pathogenic. Review status: criteria provided, multiple submitters, no conflicts (2 of 4 stars). 4 submissions from 4 submitters: Pathogenic (2); Likely pathogenic (1). 1 of the submissions does not count toward it. Last evaluated 2024-05-03.

Conditions:
PKD1-related disorder. Also called: PKD1-related condition.
Polycystic kidney disease, adult type (PKD1). Also called: Polycystic Kidney, Autosomal Dominant; Polycystic Kidney Disease 1, Autosomal Dominant; Polycystic kidney disease 1; Polycystic kidney disease 1, severe; POLYCYSTIC KIDNEY DISEASE, ADULT, TYPE I; POLYCYSTIC KIDNEY DISEASE 1 WITH OR WITHOUT POLYCYSTIC LIVER DISEASE. Identifiers: MedGen C3149841, MONDO:0008263, OMIM 173900.

Submissions (4):

Blueprint Genetics
Classification: Pathogenic for PKD1-related disorders. Last evaluated: 2024-05-03. Review status: criteria provided, single submitter. Criteria: ACMG Guidelines, 2015. Collection method: clinical testing. Allele origin: germline. Affected: yes. Observed: 3 variant alleles.

Fulgent Genetics
Classification: Pathogenic for Polycystic kidney disease, adult type. Last evaluated: 2024-03-02. Review status: criteria provided, single submitter. Criteria: ACMG Guidelines, 2015. Collection method: clinical testing. Allele origin: germline.

GeneDx
Classification: Likely pathogenic. Last evaluated: 2023-04-13. Review status: criteria provided, single submitter. Criteria: GeneDx Variant Classification Process June 2021. Collection method: clinical testing. Allele origin: germline. Affected: yes.
Comment: In-frame deletion of 1 amino acid in a non-repeat region predicted to critically alter the protein; Not observed in large population cohorts (gnomAD); In silico analysis supports a deleterious effect on protein structure/function; This variant is associated with the following publications: (PMID: 17574468, 22508176, 26453610)

PreventionGenetics, part of Exact Sciences
Classification: Pathogenic for PKD1-related condition. Last evaluated: 2024-05-23. Review status: no assertion criteria provided. Collection method: clinical testing. Allele origin: germline. Not counted in ClinVar's aggregate classification.
Comment: The PKD1 c.12389_12391delTGG variant is predicted to result in an in-frame deletion (p.Val4130del). This variant has been reported in individuals with polycystic kidney disease (referred to as V4129del in Garcia-Gonzalez et al. 2007. PubMed ID: 17574468; Hwang et al. 2016. PubMed ID: 26453610; Table S5 - Audrézet et al. 2012. PubMed ID: 22508176). In addition, at PreventionGenetics, we have previously found this variant in presumably unrelated patients tested for polycystic kidney disease. Of note, small in-frame deletions in the PKD1 gene have been commonly found to be pathogenic for autosomal dominant polycystic kidney disease (ADPKD). This variant has not been reported in a large population database, indicating this variant is rare. This variant is interpreted as pathogenic.

NM_001009944.3(PKD1):c.12386TGG[1] (p.Val4130del)

Gene: PKD1 (polycystin 1, transient receptor potential channel interacting; minus strand). Cytogenetic location: 16p13.3.
Variant type: Microsatellite.
Coding change: c.12386TGG[1] on transcript NM_001009944.3 (MANE Select); one copy of the 3-base unit TGG starting at c.12386; the reference has two copies in a row; one copy, 3 bases deleted; also written c.12389_12391del.
Protein change: p.Val4130del; deletes valine 4130.
Molecular consequence: inframe deletion. On other transcripts: inframe indel (2).
Genome position (GRCh38, 1-based): chr16:2,090,338-2,090,340, CCA deleted on the plus strand (TGG on the coding strand, the reverse complement: PKD1 is on the minus strand); deleting any 3 consecutive bases within chr16:2,090,338-2,090,343 gives the same sequence; the position shown is the placement nearest the transcript's 3' end. VCF-style (leftmost placement, unchanged base first): chr16-2090337-TCCA-T. GRCh37 (hg19) VCF-style: chr16-2140338-TCCA-T.
Other names: c.12389_12391del (NM_001009944.3, NM_001009944.2); c.12383TGG[1], p.Val4129del (NM_000296.4); c.12386_12388TGG[1], p.Val4130del (NM_001009944.2); short protein forms V4129del, V4130del.
Identifiers: ClinVar variation 2499816 (VCV002499816.5), dbSNP rs2544585102, ClinGen allele CA2580612734.